The following is an entry in ClinVar:

ClinVar aggregate classification (germline): Uncertain significance (1 of 4 stars; one submission).

Conditions:
Hereditary antithrombin deficiency (AT3D). Also called: Antithrombin III deficiency; Reduced antithrombin III activity; Thrombophilia due to antithrombin III deficiency; Antithrombin deficiency. Identifiers: Orphanet 82, MedGen C0272375, MONDO:0013144, OMIM 613118, HP:0001976.

Submission:

Labcorp Genetics (formerly Invitae), Labcorp
Classification: Uncertain significance for Hereditary antithrombin deficiency. Last evaluated: 2023-09-01. Review status: criteria provided, single submitter. Criteria: Invitae Variant Classification Sherloc (09022015). Collection method: clinical testing. Allele origin: germline.
Comment: In summary, the available evidence is currently insufficient to determine the role of this variant in disease. Therefore, it has been classified as a Variant of Uncertain Significance. This variant has not been reported in the literature in individuals affected with SERPINC1-related conditions. This variant is not present in population databases (gnomAD no frequency). This variant, c.50_52dup, results in the insertion of 1 amino acid(s) of the SERPINC1 protein (p.Tyr17_Leu18insHis), but otherwise preserves the integrity of the reading frame.

NM_000488.4(SERPINC1):c.50_52dup (p.Tyr17_Leu18insHis)

Gene: SERPINC1 (serpin family C member 1; minus strand). Cytogenetic location: 1q25.1.
Variant type: Duplication.
Coding change: c.50_52dup on transcript NM_000488.4 (MANE Select); coding-DNA positions 50 to 52, 3 bases duplicated (ATC; older notation c.50_52dupATC).
Protein change: p.Tyr17_Leu18insHis.
Molecular consequence: inframe insertion. On other transcripts: 5 prime UTR variant (1).
Genome position (GRCh38, 1-based): chr1:173,914,909-173,914,911, GAT duplicated on the plus strand (ATC on the coding strand, the reverse complement: SERPINC1 is on the minus strand). VCF-style (leftmost placement, unchanged base first): chr1-173914908-A-AGAT. GRCh37 (hg19) VCF-style: chr1-173884046-A-AGAT.
Other names: c.-95_-93dup (NM_001365052.2); c.50_52dup, p.Tyr17_Leu18insHis (NM_001386302.1, NM_001386304.1, NM_001386305.1 and 1 more transcripts); c.131_133dup, p.Tyr44_Leu45insHis (NM_001386303.1).
Identifiers: ClinVar variation 2757296 (VCV002757296.3), dbSNP rs2526597275, ClinGen allele CA2697554663.